The following is an entry in ClinVar:

NM_001365951.3(KIF1B):c.3826G>A (p.Ala1276Thr)

Gene: KIF1B (kinesin family member 1B; plus strand). Cytogenetic location: 1p36.22.
Variant type: single nucleotide variant.
Coding change: c.3826G>A on transcript NM_001365951.3 (MANE Select); coding-DNA position 3826, G replaced by A.
Protein change: p.Ala1276Thr; replaces alanine 1276 with threonine.
Molecular consequence: missense variant.
Genome position (GRCh38, 1-based): chr1:10,347,789, G>A. VCF-style: chr1-10347789-G-A. GRCh37 (hg19) VCF-style: chr1-10407847-G-A.
Other names: c.3826G>A, p.Ala1276Thr (NM_001365952.1); c.3688G>A, p.Ala1230Thr (NM_015074.3); short protein forms A1276T, A1230T.
Identifiers: ClinVar variation 3864040 (VCV003864040.1).

ClinVar aggregate classification (germline): Uncertain significance (1 of 4 stars; one submission).

gnomAD v4.1: 1 of 1,613,278 alleles (0.000062%); highest among the groups gnomAD compares: South Asian, 0.0011%; no homozygotes.

Submission:

Ambry Genetics
Classification: Uncertain significance. Last evaluated: 2024-12-16. Review status: criteria provided, single submitter. Criteria: Ambry Variant Classification Scheme 2023. Collection method: clinical testing. Allele origin: germline.
Comment: The p.A1230T variant (also known as c.3688G>A), located in coding exon 33 of the KIF1B gene, results from a G to A substitution at nucleotide position 3688. The alanine at codon 1230 is replaced by threonine, an amino acid with similar properties. This amino acid position is conserved. In addition, this alteration is predicted to be tolerated by in silico analysis. Based on the available evidence, the clinical significance of this variant remains unclear.